The following is an entry in ClinVar:

NM_000070.3(CAPN3):c.2340_2341del (p.Asp780fs)

Gene: CAPN3 (calpain 3; plus strand). Cytogenetic location: 15q15.1.
Variant type: Deletion.
Coding change: c.2340_2341del on transcript NM_000070.3 (MANE Select); coding-DNA positions 2340 to 2341, 2 bases deleted (CA; older notation c.2340_2341delCA).
Protein change: p.Asp780fs; shifts the reading frame from aspartic acid 780.
Molecular consequence: frameshift variant.
Genome position (GRCh38, 1-based): chr15:42,410,960-42,410,961, CA deleted; deleting any 2 consecutive bases within chr15:42,410,959-42,410,961 gives the same sequence; the c. name uses the placement nearest the transcript's 3' end. VCF-style (leftmost placement, unchanged base first): chr15-42410958-GAC-G. GRCh37 (hg19) VCF-style: chr15-42703156-GAC-G.
Other names: c.2322_2323del, p.Asp774fs (NM_024344.2); c.2064_2065del, p.Asp688fs (NM_173087.2); c.804_805del, p.Asp268fs (NM_173088.2); c.345_346del, p.Asp115fs (NM_173089.2, NM_173090.2); c.*1438_*1439delCA (NM_212464.2); c.*2015_*2016delCA (NM_212467.2); c.2340_2341del (NM_000070.2); short protein forms D115fs, D268fs, D688fs, D774fs, D780fs.
Identifiers: ClinVar variation 2680391 (VCV002680391.3), dbSNP rs2548294503, ClinGen allele CA2695197269.

ClinVar aggregate classification (germline): Likely pathogenic. Review status: criteria provided, multiple submitters, no conflicts (2 of 4 stars). 2 submissions from 2 submitters: Likely pathogenic (2). Last evaluated 2025-05-25.

Conditions:
Autosomal recessive limb-girdle muscular dystrophy type 2A (LGMDR1). Also called: Calpainopathy; Muscular dystrophy, limb-girdle, type 2A, Amish; LEYDEN-MOEBIUS MUSCULAR DYSTROPHY; MUSCULAR DYSTROPHY, PELVOFEMORAL; Limb-girdle muscular dystrophy, type 2A. Identifiers: Orphanet 267, MedGen C1869123, MONDO:0009675, OMIM 253600. Disease mechanism: loss of function.
Muscular dystrophy, limb-girdle, autosomal dominant 4. Also called: Calpain-3-related limb-girdle muscular dystrophy D4; MUSCULAR DYSTROPHY, LIMB-GIRDLE, TYPE 1I. Identifiers: Orphanet 565909, MedGen C4748295, MONDO:0029133, OMIM 618129.

Submissions (2):

Natera, Inc.
Classification: Likely pathogenic for Limb-girdle muscular dystrophy type 2A. Last evaluated: 2025-05-25. Review status: criteria provided, single submitter. Criteria: Natera Variant Classification Schema (03/2026). Collection method: clinical testing. Allele origin: germline.
Comment: The c.2340_2341del variant in CAPN3 is a frameshift variant predicted to shift the reading frame beginning at codon 780 and leads to a stop codon 8 codons downstream. This variant is expected to result in nonsense mediated decay, truncation, or a dysfunctional protein product. This variant is rare in the general population with a frequency below the threshold expected for the associated phenotype(s). Given the available evidence, this variant is classified as Likely Pathogenic.

Baylor Genetics
Classification: Likely pathogenic for Muscular dystrophy, limb-girdle, autosomal dominant 4. Last evaluated: 2022-12-02. Review status: criteria provided, single submitter. Criteria: ACMG Guidelines, 2015. Collection method: clinical testing. Allele origin: unknown.